The following is an entry in ClinVar:

NM_001220.5(CAMK2B):c.1840G>C (p.Ala614Pro)

Gene: CAMK2B (calcium/calmodulin dependent protein kinase II beta; minus strand). Cytogenetic location: 7p13.
Variant type: single nucleotide variant.
Coding change: c.1840G>C on transcript NM_001220.5 (MANE Select); coding-DNA position 1840, G replaced by C.
Protein change: p.Ala614Pro; replaces alanine 614 with proline.
Molecular consequence: missense variant.
Genome position (GRCh38, 1-based): chr7:44,220,223, C>G on the plus strand (G>C on the coding strand, the complement: CAMK2B is on the minus strand). VCF-style: chr7-44220223-C-G. GRCh37 (hg19) VCF-style: chr7-44259822-C-G.
Other names: c.1468G>C, p.Ala490Pro (NM_001293170.2, NM_172078.3); c.1396G>C, p.Ala466Pro (NM_172079.3); c.1393G>C, p.Ala465Pro (NM_172080.3); c.1351G>C, p.Ala451Pro (NM_172081.3); c.1318G>C, p.Ala440Pro (NM_172082.3); c.1279G>C, p.Ala427Pro (NM_172083.3); c.1189G>C, p.Ala397Pro (NM_172084.3); short protein forms A397P, A427P, A440P, A451P, A465P, A466P, A490P, A614P.
Identifiers: ClinVar variation 3377652 (VCV003377652.1).

ClinVar aggregate classification (germline): Uncertain significance (1 of 4 stars; one submission).

Conditions:
Intellectual developmental disorder, autosomal dominant 54. Also called: MENTAL RETARDATION, AUTOSOMAL DOMINANT 54; Intellectual disability, autosomal dominant 54. Identifiers: MedGen C4540484, MONDO:0030920, OMIM 617799.

Submission:

Neuberg Centre For Genomic Medicine, NCGM
Classification: Uncertain significance for Intellectual developmental disorder, autosomal dominant 54. Last evaluated: 2023-06-22. Review status: criteria provided, single submitter. Criteria: ACMG Guidelines, 2015. Collection method: clinical testing. Allele origin: germline. Inheritance: Autosomal dominant inheritance. Affected: yes.
Comment: The missense variant c.1840G>C (p.Ala614Pro) in the CAMK2B gene has not been reported previously as a pathogenic variant nor as a benign variant, to our knowledge. This variant is absent in the gnomAD Exomes. The amino acid Ala at position 614 is changed to a Pro changing protein sequence and it might alter its composition and physico-chemical properties. Multiple lines of computational evidence (Polyphen - Damaging, SIFT - Damaging and MutationTaster - Disease causing) predict a damaging effect on protein structure and function for this variant. The amino acid change p.Ala614Pro in CAMK2B is predicted as conserved by GERP++ and PhyloP across 100 vertebrates. For these reasons, this variant has been classified as Uncertain Significance.